The following is an entry in ClinVar:

ClinVar aggregate classification (germline): Uncertain significance (1 of 4 stars; one submission).

Allele frequency attached by ClinVar (database versions not stated): TOPMed 0.00001.

Submission:

Labcorp Genetics (formerly Invitae), Labcorp
Classification: Uncertain significance. Last evaluated: 2025-07-10. Review status: criteria provided, single submitter. Criteria: Invitae Variant Classification Sherloc (09022015). Collection method: clinical testing. Allele origin: germline.
Comment: This sequence change replaces glutamic acid, which is acidic and polar, with lysine, which is basic and polar, at codon 144 of the PHYH protein (p.Glu144Lys). This variant is not present in population databases (gnomAD no frequency). This variant has not been reported in the literature in individuals affected with PHYH-related conditions. ClinVar contains an entry for this variant (Variation ID: 2049741). Invitae Evidence Modeling of protein sequence and biophysical properties (such as structural, functional, and spatial information, amino acid conservation, physicochemical variation, residue mobility, and thermodynamic stability) indicates that this missense variant is not expected to disrupt PHYH protein function with a negative predictive value of 80%. In summary, the available evidence is currently insufficient to determine the role of this variant in disease. Therefore, it has been classified as a Variant of Uncertain Significance.

NM_006214.4(PHYH):c.430G>A (p.Glu144Lys)

Gene: PHYH (phytanoyl-CoA 2-hydroxylase; minus strand). Cytogenetic location: 10p13.
Variant type: single nucleotide variant.
Coding change: c.430G>A on transcript NM_006214.4 (MANE Select); coding-DNA position 430, G replaced by A.
Protein change: p.Glu144Lys; replaces glutamic acid 144 with lysine.
Molecular consequence: missense variant. On other transcripts: intron variant (1).
Genome position (GRCh38, 1-based): chr10:13,291,897, C>T on the plus strand (G>A on the coding strand, the complement: PHYH is on the minus strand). VCF-style: chr10-13291897-C-T. GRCh37 (hg19) VCF-style: chr10-13333897-C-T.
Other names: c.130G>A, p.Glu44Lys (NM_001037537.2, NM_001323080.2, NM_001323084.2); c.430G>A, p.Glu144Lys (NM_001323082.2); c.414+2531G>A (NM_001323083.2); short protein forms E144K, E44K.
Identifiers: ClinVar variation 2049741 (VCV002049741.4), dbSNP rs1835720983, ClinGen allele CA376036480.
Genomic context (GRCh38, chr10:13,291,897, plus strand): 5'-CTGGAGGTTTGTTTATCAACATTGTGTGCATGGCCATAATATTAGGTCCAGTGAAGCACT[C>T]CACATATTTCAGAATCTAAGAAAGCAAAAAAAAAACAAAAACAAACCTTGTGGGAAATCA-3'
Protein context (NP_006205.1, residues 134-154): CTLPEILKYV[Glu144Lys]CFTGPNIMAM